The following is an entry in ClinVar:

ClinVar aggregate classification (germline): Benign (3 of 4 stars; one submission).

Conditions:
Breast-ovarian cancer, familial, susceptibility to, 2 (BROVCA2). Also called: BRCA2 Hereditary Breast and Ovarian Cancer. Identifiers: Orphanet 145, MedGen C2675520, MONDO:0012933, OMIM 612555. Disease mechanism: loss of function.

Allele frequency attached by ClinVar (database versions not stated): gnomAD 0.00720 and 0.00770; TOPMed 0.00795; 1000 Genomes Project 0.00879; 1000 Genomes Project 30x 0.00953.
gnomAD v4.1: 1,078 of 152,126 alleles (0.71%); highest among the groups gnomAD compares: African/African-American, 2.5%; 14 homozygotes.

Submission:

Evidence-based Network for the Interpretation of Germline Mutant Alleles (ENIGMA)
Classification: Benign for Breast-ovarian cancer, familial 2. Last evaluated: 2015-01-12. Review status: reviewed by expert panel. Criteria: ENIGMA BRCA1/2 Classification Criteria (2015). Collection method: curation. Allele origin: germline.
Comment: Class 1 not pathogenic based on frequency >1% in an outbred sampleset. Frequency 0.03049 (African), derived from 1000 genomes (2012-04-30).

NM_000059.4(BRCA2):c.7806-1650C>T

Gene: BRCA2 (BRCA2 DNA repair associated; plus strand). Cytogenetic location: 13q13.1.
Variant type: single nucleotide variant.
Coding change: c.7806-1650C>T on transcript NM_000059.4 (MANE Select); 1650 bases into the intron before coding-DNA position 7806, C replaced by T.
Molecular consequence: intron variant.
Genome position (GRCh38, 1-based): chr13:32,360,873, C>T. VCF-style: chr13-32360873-C-T. GRCh37 (hg19) VCF-style: chr13-32935010-C-T.
Other names: IVS 16-1650C>T.
Identifiers: ClinVar variation 209771 (VCV000209771.1), dbSNP rs114616563, ClinGen allele CA276739.